The following is an entry in ClinVar:

ClinVar aggregate classification (germline): Conflicting classifications of pathogenicity. Review status: criteria provided, conflicting classifications (1 of 4 stars). 5 submissions from 5 submitters: Uncertain significance (1); Benign (1); Likely benign (3). Last evaluated 2025-12-10.

Conditions:
KIF11-related disorder. Also called: KIF11-related condition.
Inborn genetic diseases. Identifiers: MedGen C0950123, MeSH D030342.

Allele frequency attached by ClinVar (database versions not stated): TOPMed 0.00002; ExAC 0.00007; gnomAD exomes 0.00009.
gnomAD v4.1: 29 of 1,587,780 alleles (0.0018%); highest among the groups gnomAD compares: Admixed American, 0.051%; no homozygotes.

Submissions (5):

Labcorp Genetics (formerly Invitae), Labcorp
Classification: Likely benign. Last evaluated: 2025-12-10. Review status: criteria provided, single submitter. Criteria: Invitae Variant Classification Sherloc (09022015). Collection method: clinical testing. Allele origin: germline.

CeGaT Center for Human Genetics Tuebingen
Classification: Uncertain significance. Last evaluated: 2025-09-01. Review status: criteria provided, single submitter. Criteria: CeGaT Center For Human Genetics Tuebingen Variant Classification Criteria Version 2. Collection method: clinical testing. Allele origin: germline. Affected: yes. Observed: 1 variant allele.

Ambry Genetics
Classification: Likely benign for Inborn genetic diseases. Last evaluated: 2025-06-06. Review status: criteria provided, single submitter. Criteria: Ambry Variant Classification Scheme 2023. Collection method: clinical testing. Allele origin: germline.

PreventionGenetics, part of Exact Sciences
Classification: Likely benign for KIF11-related condition. Last evaluated: 2025-05-22. Review status: criteria provided, single submitter. Criteria: ACMG Guidelines, 2015. Collection method: clinical testing. Allele origin: germline.
Comment: This variant is classified as likely benign based on ACMG/AMP sequence variant interpretation guidelines (Richards et al. 2015 PMID: 25741868, with internal and published modifications).

GeneDx
Classification: Benign. Last evaluated: 2020-12-14. Review status: criteria provided, single submitter. Criteria: GeneDx Variant Classification Process June 2021. Collection method: clinical testing. Allele origin: germline. Affected: yes.

NM_004523.4(KIF11):c.418C>T (p.Leu140Phe)

Gene: KIF11 (kinesin family member 11; plus strand). Cytogenetic location: 10q23.33.
Variant type: single nucleotide variant.
Coding change: c.418C>T on transcript NM_004523.4 (MANE Select); coding-DNA position 418, C replaced by T.
Protein change: p.Leu140Phe; replaces leucine 140 with phenylalanine.
Molecular consequence: missense variant.
Genome position (GRCh38, 1-based): chr10:92,609,050, C>T. VCF-style: chr10-92609050-C-T. GRCh37 (hg19) VCF-style: chr10-94368807-C-T.
Other names: short protein forms L140F.
Identifiers: ClinVar variation 939181 (VCV000939181.18), dbSNP rs766343259, ClinGen allele CA5604006.
Genomic context (GRCh38, chr10:92,609,050, plus strand): 5'-CCTTTATATTAGTCCTTATTATAATTTCAGGATCCCTTGGCTGGTATAATTCCACGTACC[C>T]TTCATCAAATTTTTGAGAAACTTACTGATAATGGTACTGAATTTTCAGTCAAAGTGTCTC-3'
Protein context (NP_004514.2, residues 130-150): DPLAGIIPRT[Leu140Phe]HQIFEKLTDN